The following is an entry in ClinVar:

ClinVar aggregate classification (germline): Uncertain significance (1 of 4 stars; one submission).

Conditions:
Combined immunodeficiency due to LRBA deficiency. Also called: Common variable immunodeficiency 8, with autoimmunity. Identifiers: Orphanet 445018, MedGen C3553512, MONDO:0013863, OMIM 614700.

Allele frequency attached by ClinVar (database versions not stated): gnomAD exomes below 0.00001.
gnomAD v4.1: 1 of 1,607,970 alleles (0.000062%); no homozygotes.

Submission:

Labcorp Genetics (formerly Invitae), Labcorp
Classification: Uncertain significance for Combined immunodeficiency due to LRBA deficiency. Last evaluated: 2020-10-15. Review status: criteria provided, single submitter. Criteria: Invitae Variant Classification Sherloc (09022015). Collection method: clinical testing. Allele origin: germline.
Comment: This sequence change replaces methionine with isoleucine at codon 361 of the LRBA protein (p.Met361Ile). The methionine residue is moderately conserved and there is a small physicochemical difference between methionine and isoleucine. This variant is not present in population databases (ExAC no frequency). This variant has not been reported in the literature in individuals with LRBA-related conditions. Algorithms developed to predict the effect of missense changes on protein structure and function are either unavailable or do not agree on the potential impact of this missense change (SIFT: "Tolerated"; PolyPhen-2: "Probably Damaging"; Align-GVGD: "Class C0"). In summary, the available evidence is currently insufficient to determine the role of this variant in disease. Therefore, it has been classified as a Variant of Uncertain Significance.

NM_001364905.1(LRBA):c.1083G>T (p.Met361Ile)

Gene: LRBA (LPS responsive beige-like anchor protein; minus strand). Cytogenetic location: 4q31.3.
Variant type: single nucleotide variant.
Coding change: c.1083G>T on transcript NM_001364905.1 (MANE Select); coding-DNA position 1083, G replaced by T.
Protein change: p.Met361Ile; replaces methionine 361 with isoleucine.
Molecular consequence: missense variant.
Genome position (GRCh38, 1-based): chr4:150,914,273, C>A on the plus strand (G>T on the coding strand, the complement: LRBA is on the minus strand). VCF-style: chr4-150914273-C-A. GRCh37 (hg19) VCF-style: chr4-151835425-C-A.
Other names: c.1083G>T, p.Met361Ile (NM_001199282.3, NM_001367550.1, NM_006726.5); short protein forms M361I.
Identifiers: ClinVar variation 1008734 (VCV001008734.8), dbSNP rs1560998754, ClinGen allele CA358435651.